The following is an entry in ClinVar:

ClinVar aggregate classification (germline): Uncertain significance (1 of 4 stars; one submission).

Conditions:
ATP2B2-related disorder. Also called: ATP2B2-related condition.

gnomAD v4.1: 15 of 1,614,114 alleles (0.00093%); highest among the groups gnomAD compares: Middle Eastern, 0.033%; 1 homozygote.

Submission:

PreventionGenetics, part of Exact Sciences
Classification: Uncertain significance for ATP2B2-related condition. Last evaluated: 2025-08-08. Review status: criteria provided, single submitter. Criteria: ACMG Guidelines, 2015. Collection method: clinical testing. Allele origin: germline.
Comment: The ATP2B2 c.1823G>A variant is predicted to result in the amino acid substitution p.Arg608Gln. To our knowledge, this variant has not been reported in the literature. This variant is reported in 0.0040% of alleles in individuals of African descent in gnomAD. At this time, the clinical significance of this variant is uncertain due to the absence of conclusive functional and genetic evidence.

NM_001001331.4(ATP2B2):c.1958G>A (p.Arg653Gln)

Gene: ATP2B2 (ATPase plasma membrane Ca2+ transporting 2; minus strand). Cytogenetic location: 3p25.3.
Variant type: single nucleotide variant.
Coding change: c.1958G>A on transcript NM_001001331.4 (MANE Select); coding-DNA position 1958, G replaced by A.
Protein change: p.Arg653Gln; replaces arginine 653 with glutamine.
Molecular consequence: missense variant.
Genome position (GRCh38, 1-based): chr3:10,358,869, C>T on the plus strand (G>A on the coding strand, the complement: ATP2B2 is on the minus strand). VCF-style: chr3-10358869-C-T. GRCh37 (hg19) VCF-style: chr3-10400553-C-T.
Other names: c.1823G>A, p.Arg608Gln (NM_001330611.3, NM_001353564.1, NM_001363862.1 and 2 more transcripts); c.1865G>A, p.Arg622Gln (NM_001438646.1); short protein forms R622Q, R653Q, R608Q.
Identifiers: ClinVar variation 4993481 (VCV004993481.1).